The following is an entry in ClinVar:

NM_019844.4(SLCO1B3):c.1244C>T (p.Ser415Leu)

Genes: SLCO1B3 (solute carrier organic anion transporter family member 1B3; plus strand), SLCO1B3-SLCO1B7 (SLCO1B3-SLCO1B7 readthrough; plus strand). Cytogenetic location: 12p12.2.
Variant type: single nucleotide variant.
Coding change: c.1244C>T on transcript NM_019844.4 (MANE Select); coding-DNA position 1244, C replaced by T.
Protein change: p.Ser415Leu; replaces serine 415 with leucine.
Molecular consequence: missense variant.
Genome position (GRCh38, 1-based): chr12:20,879,544, C>T. VCF-style: chr12-20879544-C-T. GRCh37 (hg19) VCF-style: chr12-21032478-C-T.
Other names: c.1244C>T, p.Ser415Leu (NM_001371097.1); c.1160C>T, p.Ser387Leu (NM_001349920.2); short protein forms S387L, S415L.
Identifiers: ClinVar variation 3355109 (VCV003355109.1).
Genomic context (GRCh38, chr12:20,879,544, plus strand): 5'-TTATCATTAAAAAATTCAAATTGTCTTTAGTTGGAATTGCCAAATTTTCATTTCTTACTT[C>T]GATGATATCCTTCTTGTTTCAACTTCTATATTTCCCTCTAATCTGCGAAAGCAAATCAGT-3'
Protein context (NP_062818.1, residues 405-425): VGIAKFSFLT[Ser415Leu]MISFLFQLLY

ClinVar aggregate classification (germline): Uncertain significance (0 of 4 stars; one submission).

Conditions:
SLCO1B3-related disorder. Also called: SLCO1B3-related condition.

gnomAD v4.1: 80 of 1,611,854 alleles (0.005%); highest among the groups gnomAD compares: Middle Eastern, 0.017%; no homozygotes.

Submission:

PreventionGenetics, part of Exact Sciences
Classification: Uncertain significance for SLCO1B3-related condition. Last evaluated: 2024-04-25. Review status: no assertion criteria provided. Collection method: clinical testing. Allele origin: germline.
Comment: The SLCO1B3 c.1244C>T variant is predicted to result in the amino acid substitution p.Ser415Leu. To our knowledge, this variant has not been reported in the literature. This variant is reported in 0.0097% of alleles in individuals of European (Non-Finnish) descent in gnomAD. At this time, the clinical significance of this variant is uncertain due to the absence of conclusive functional and genetic evidence.